The following is an entry in ClinVar:

ClinVar aggregate classification (germline): Uncertain significance (1 of 4 stars; one submission).

Conditions:
LEPR-related disorder. Also called: LEPR-related condition; LEPR-related disorders.

gnomAD v4.1: 1 of 1,612,846 alleles (0.000062%); highest among the groups gnomAD compares: Non-Finnish European, 0.000085%; no homozygotes.

Submission:

PreventionGenetics, part of Exact Sciences
Classification: Uncertain significance for LEPR-related condition. Last evaluated: 2025-01-16. Review status: criteria provided, single submitter. Criteria: ACMG Guidelines, 2015. Collection method: clinical testing. Allele origin: germline.
Comment: The LEPR c.731A>G variant is predicted to result in the amino acid substitution p.His244Arg. This variant was observed in a cohort of individuals with obesity, and in vitro functional studies showed this variant did not reduce protein function and could cause increased function (Supplemental Data Set 3, Shah et al. 2023. PubMed ID: 36864747). This variant is reported in 0.00088% of alleles in individuals of European (Non-Finnish) descent in gnomAD. At this time, the clinical significance of this variant is uncertain due to the absence of conclusive functional and genetic evidence.

NM_002303.6(LEPR):c.731A>G (p.His244Arg)

Gene: LEPR (leptin receptor; plus strand). Cytogenetic location: 1p31.3.
Variant type: single nucleotide variant.
Coding change: c.731A>G on transcript NM_002303.6 (MANE Select); coding-DNA position 731, A replaced by G.
Protein change: p.His244Arg; replaces histidine 244 with arginine.
Molecular consequence: missense variant.
Genome position (GRCh38, 1-based): chr1:65,596,475, A>G. VCF-style: chr1-65596475-A-G. GRCh37 (hg19) VCF-style: chr1-66062158-A-G.
Other names: c.731A>G, p.His244Arg (NM_001003679.3, NM_001003680.3, NM_001198687.2 and 2 more transcripts); short protein forms H244R.
Identifiers: ClinVar variation 4982939 (VCV004982939.1).
Genomic context (GRCh38, chr1:65,596,475, plus strand): 5'-TGACTTAAAAGTATTCTCTTTTTTTTCCTTAAGTGAAGCCTGATCCACCATTAGGTTTGC[A>G]TATGGAAATCACAGATGATGGTAATTTAAAGATTTCTTGGTCCAGCCCACCATTGGTACC-3'
Protein context (NP_002294.2, residues 234-254): MVKPDPPLGL[His244Arg]MEITDDGNLK